The following is an entry in ClinVar:

ClinVar aggregate classification (germline): Uncertain significance (1 of 4 stars; one submission).

Submission:

Labcorp Genetics (formerly Invitae), Labcorp
Classification: Uncertain significance. Last evaluated: 2026-01-21. Review status: criteria provided, single submitter. Criteria: Invitae Variant Classification Sherloc (09022015). Collection method: clinical testing. Allele origin: germline.
Comment: This sequence change replaces asparagine, which is neutral and polar, with serine, which is neutral and polar, at codon 401 of the IL12RB2 protein (p.Asn401Ser). This variant is not present in population databases (gnomAD no frequency). This variant has not been reported in the literature in individuals affected with IL12RB2-related conditions. An algorithm developed to predict the effect of missense changes on protein structure and function (PolyPhen-2) suggests that this variant is likely to be disruptive. In summary, the available evidence is currently insufficient to determine the role of this variant in disease. Therefore, it has been classified as a Variant of Uncertain Significance.

NM_001374259.2(IL12RB2):c.1202A>G (p.Asn401Ser)

Gene: IL12RB2 (interleukin 12 receptor subunit beta 2; plus strand). Cytogenetic location: 1p31.3.
Variant type: single nucleotide variant.
Coding change: c.1202A>G on transcript NM_001374259.2 (MANE Select); coding-DNA position 1202, A replaced by G.
Protein change: p.Asn401Ser; replaces asparagine 401 with serine.
Molecular consequence: missense variant. On other transcripts: non-coding transcript variant (2).
Genome position (GRCh38, 1-based): chr1:67,351,033, A>G. VCF-style: chr1-67351033-A-G. GRCh37 (hg19) VCF-style: chr1-67816716-A-G.
Other names: c.1202A>G, p.Asn401Ser (NM_001258214.1, NM_001258215.1, NM_001258216.1 and 2 more transcripts); short protein forms N401S.
Identifiers: ClinVar variation 4735946 (VCV004735946.1).